The following is an entry in ClinVar:

ClinVar aggregate classification (germline): Uncertain significance. Review status: criteria provided, multiple submitters, no conflicts (2 of 4 stars). 2 submissions from 2 submitters: Uncertain significance (2). Last evaluated 2025-08-01.

Conditions:
Inborn genetic diseases. Identifiers: MedGen C0950123, MeSH D030342.

Allele frequency attached by ClinVar (database versions not stated): ExAC 0.00001; gnomAD exomes 0.00001 and 0.00002; gnomAD 0.00004; TOPMed 0.00011.
gnomAD v4.1: 15 of 1,613,792 alleles (0.00093%); highest among the groups gnomAD compares: Admixed American, 0.02%; no homozygotes.

Submissions (2):

Ambry Genetics
Classification: Uncertain significance for Inborn genetic diseases. Last evaluated: 2025-08-01. Review status: criteria provided, single submitter. Criteria: Ambry Variant Classification Scheme 2023. Collection method: clinical testing. Allele origin: germline.

Labcorp Genetics (formerly Invitae), Labcorp
Classification: Uncertain significance. Last evaluated: 2022-07-01. Review status: criteria provided, single submitter. Criteria: Invitae Variant Classification Sherloc (09022015). Collection method: clinical testing. Allele origin: germline.
Comment: This sequence change replaces cysteine, which is neutral and slightly polar, with serine, which is neutral and polar, at codon 64 of the TSFM protein (p.Cys64Ser). This variant is present in population databases (rs201534647, gnomAD 0.02%). This variant has not been reported in the literature in individuals affected with TSFM-related conditions. ClinVar contains an entry for this variant (Variation ID: 1407437). Algorithms developed to predict the effect of missense changes on protein structure and function (SIFT, PolyPhen-2, Align-GVGD) all suggest that this variant is likely to be disruptive. Algorithms developed to predict the effect of sequence changes on RNA splicing suggest that this variant may create or strengthen a splice site. In summary, the available evidence is currently insufficient to determine the role of this variant in disease. Therefore, it has been classified as a Variant of Uncertain Significance.

NM_005726.6(TSFM):c.190T>A (p.Cys64Ser)

Gene: TSFM (Ts translation elongation factor, mitochondrial; plus strand). Cytogenetic location: 12q14.1.
Variant type: single nucleotide variant.
Coding change: c.190T>A on transcript NM_005726.6 (MANE Select); coding-DNA position 190, T replaced by A.
Protein change: p.Cys64Ser; replaces cysteine 64 with serine.
Molecular consequence: missense variant.
Genome position (GRCh38, 1-based): chr12:57,783,242, T>A. VCF-style: chr12-57783242-T-A. GRCh37 (hg19) VCF-style: chr12-58177025-T-A.
Other names: c.190T>A, p.Cys64Ser (NM_001172695.2, NM_001172696.2, NM_001172697.2); c.190T>A (NM_001172696.1); short protein forms C64S.
Identifiers: ClinVar variation 1407437 (VCV001407437.5), dbSNP rs201534647, ClinGen allele CA6659240.